The following is an entry in ClinVar:

ClinVar aggregate classification (germline): Likely pathogenic (1 of 4 stars; one submission).

Conditions:
Retinitis pigmentosa 12 (RP12). Also called: RP WITH OR WITHOUT PRESERVED PARAARTERIOLE RETINAL PIGMENT EPITHELIUM; RETINITIS PIGMENTOSA WITH OR WITHOUT PARAARTERIOLAR PRESERVATION OF RETINAL PIGMENT EPITHELIUM; RP WITH OR WITHOUT PPRPE. Identifiers: Orphanet 791, MedGen C1838647, MONDO:0010818, OMIM 600105.
Leber congenital amaurosis 8 (LCA8). Identifiers: Orphanet 65, MedGen C3151202, MONDO:0013453, OMIM 613835.

Submission:

Labcorp Genetics (formerly Invitae), Labcorp
Classification: Likely pathogenic for Leber congenital amaurosis 8; Retinitis pigmentosa 12. Last evaluated: 2023-11-02. Review status: criteria provided, single submitter. Criteria: Invitae Variant Classification Sherloc (09022015). Collection method: clinical testing. Allele origin: germline.
Comment: This sequence change replaces cysteine, which is neutral and slightly polar, with glycine, which is neutral and non-polar, at codon 383 of the CRB1 protein (p.Cys383Gly). This variant is not present in population databases (gnomAD no frequency). This variant has not been reported in the literature in individuals affected with CRB1-related conditions. Advanced modeling of protein sequence and biophysical properties (such as structural, functional, and spatial information, amino acid conservation, physicochemical variation, residue mobility, and thermodynamic stability) performed at Invitae indicates that this missense variant is expected to disrupt CRB1 protein function with a positive predictive value of 95%. This variant disrupts the p.Cys383 amino acid residue in CRB1. Other variant(s) that disrupt this residue have been determined to be pathogenic (PMID: 11231775, 23449718, 25356976). This suggests that this residue is clinically significant, and that variants that disrupt this residue are likely to be disease-causing. In summary, the currently available evidence indicates that the variant is pathogenic, but additional data are needed to prove that conclusively. Therefore, this variant has been classified as Likely Pathogenic.

Literature cited by the submitters: PubMed 11231775; PubMed 23449718; PubMed 25356976.

NM_201253.3(CRB1):c.1147T>G (p.Cys383Gly)

Gene: CRB1 (crumbs cell polarity complex component 1; plus strand). Cytogenetic location: 1q31.3.
Variant type: single nucleotide variant.
Coding change: c.1147T>G on transcript NM_201253.3 (MANE Select); coding-DNA position 1147, T replaced by G.
Protein change: p.Cys383Gly; replaces cysteine 383 with glycine.
Molecular consequence: missense variant. On other transcripts: non-coding transcript variant (2).
Genome position (GRCh38, 1-based): chr1:197,356,989, T>G. VCF-style: chr1-197356989-T-G. GRCh37 (hg19) VCF-style: chr1-197326119-T-G.
Other names: c.811T>G, p.Cys271Gly (NM_001193640.2); c.940T>G, p.Cys314Gly (NM_001257965.2); c.1147T>G, p.Cys383Gly (NM_001257966.2); short protein forms C314G, C271G, C383G.
Identifiers: ClinVar variation 2929818 (VCV002929818.3), dbSNP rs1571897130, ClinGen allele CA344084631.